The following is an entry in ClinVar:

NM_030632.3(ASXL3):c.4509_4513dup (p.Val1505fs)

Gene: ASXL3 (ASXL transcriptional regulator 3; plus strand). Cytogenetic location: 18q12.1.
Variant type: Duplication.
Coding change: c.4509_4513dup on transcript NM_030632.3 (MANE Select); coding-DNA positions 4509 to 4513, 5 bases duplicated (ACCAG; older notation c.4509_4513dupACCAG).
Protein change: p.Val1505fs; shifts the reading frame from valine 1505.
Molecular consequence: frameshift variant.
Genome position (GRCh38, 1-based): chr18:33,744,357-33,744,361, ACCAG duplicated; duplicating any 5 consecutive bases within chr18:33,744,354-33,744,361 gives the same sequence; the c. name uses the placement nearest the transcript's 3' end. VCF-style (leftmost placement, unchanged base first): chr18-33744353-G-GCAGAC. GRCh37 (hg19) VCF-style: chr18-31324317-G-GCAGAC.
Other names: short protein forms V1505fs.
Identifiers: ClinVar variation 504200 (VCV000504200.4), dbSNP rs1555744396, ClinGen allele CA658799035.

ClinVar aggregate classification (germline): Pathogenic (1 of 4 stars; one submission).

Conditions:
Bainbridge-Ropers syndrome. Also called: Severe feeding difficulties-failure to thrive-microcephaly due to ASXL3 deficiency syndrome. Identifiers: Orphanet 352577, MedGen C4750837, MONDO:0014205, OMIM 615485.

Submission:

GeneDx
Classification: Pathogenic. Last evaluated: 2018-02-02. Review status: criteria provided, single submitter. Criteria: GeneDx Variant Classification (06012015). Collection method: clinical testing. Allele origin: germline. Affected: yes.
Comment: The c.4509_4513dupACCAG pathogenic variant in the ASXL3 gene has not been reported previously as a pathogenic variant, nor as a benign variant, to our knowledge. The c.4509_4513dupACCAG variant causes a frameshift starting with codon Valine 1505, changes this amino acid to a Aspartic acid residue, and creates a premature Stop codon at position 3 of the new reading frame, denoted p.Val1505AspfsX3. This variant is predicted to cause loss of normal protein function through protein truncation. The c.4509_4513dupACCAG variant is not observed in large population cohorts (Lek et al., 2016). We interpret c.4509_4513dupACCAG as a pathogenic variant.